The following is an entry in ClinVar:

ClinVar aggregate classification (germline): Conflicting classifications of pathogenicity. Review status: criteria provided, conflicting classifications (1 of 4 stars). 2 submissions from 2 submitters: Pathogenic (1); Uncertain significance (1). Last evaluated 2025-09-27.

Conditions:
Early-infantile DEE. Also called: Early infantile epileptic encephalopathy; Ohtahara syndrome; Early infantile epileptic encephalopathy with suppression bursts. Identifiers: Orphanet 1934, MedGen C0393706, MONDO:0800491.

Submissions (2):

Labcorp Genetics (formerly Invitae), Labcorp
Classification: Pathogenic for Early-infantile DEE. Last evaluated: 2025-09-27. Review status: criteria provided, single submitter. Criteria: Invitae Variant Classification Sherloc (09022015). Collection method: clinical testing. Allele origin: germline.
Comment: This sequence change replaces aspartic acid, which is acidic and polar, with glutamic acid, which is acidic and polar, at codon 355 of the KCNQ2 protein (p.Asp355Glu). This variant is not present in population databases (gnomAD no frequency). This missense change has been observed in individual(s) with clinical features of KCNQ2-related conditions (PMID: 28926830; internal data). In at least one individual the variant was observed to be de novo. ClinVar contains an entry for this variant (Variation ID: 445403). Invitae Evidence Modeling of protein sequence and biophysical properties (such as structural, functional, and spatial information, amino acid conservation, physicochemical variation, residue mobility, and thermodynamic stability) indicates that this missense variant is expected to disrupt KCNQ2 protein function with a positive predictive value of 95%. For these reasons, this variant has been classified as Pathogenic.

Center for Pediatric Genomic Medicine, Children's Mercy Hospital and Clinics
Classification: Uncertain significance. Last evaluated: 2017-03-30. Review status: criteria provided, single submitter. Criteria: ACMG Guidelines, 2015. Collection method: clinical testing. Allele origin: germline.

Literature cited by the submitters: PubMed 28926830 (cited by Labcorp Genetics (formerly Invitae), Labcorp).

NM_172107.4(KCNQ2):c.1065C>G (p.Asp355Glu)

Gene: KCNQ2 (potassium voltage-gated channel subfamily Q member 2; minus strand). Cytogenetic location: 20q13.33.
Variant type: single nucleotide variant.
Coding change: c.1065C>G on transcript NM_172107.4 (MANE Select); coding-DNA position 1065, C replaced by G.
Protein change: p.Asp355Glu; replaces aspartic acid 355 with glutamic acid.
Molecular consequence: missense variant.
Genome position (GRCh38, 1-based): chr20:63,433,862, G>C on the plus strand (C>G on the coding strand, the complement: KCNQ2 is on the minus strand). VCF-style: chr20-63433862-G-C. GRCh37 (hg19) VCF-style: chr20-62065215-G-C.
Other names: c.1065C>G, p.Asp355Glu (NM_004518.6, NM_172106.3, NM_172108.5 and 1 more transcripts); short protein forms D355E.
Identifiers: ClinVar variation 445403 (VCV000445403.5), dbSNP rs200395340, ClinGen allele CA409651167.
Genomic context (GRCh38, chr20:63,433,862, plus strand): 5'-GCGGTACCTGTACATGGGCACGGTGACCGTTCGCTCGTAGTACTGCCACGTGGAGTGCAG[G>C]TCTGTGCGCGAGAGGTTGGTGGCGTAGAATCTCCAGGCCGACTGCGGAGGGAAAGACAAG-3'
Protein context (NP_742105.1, residues 345-365): RFYATNLSRT[Asp355Glu]LHSTWQYYER